The following is an entry in ClinVar:

ClinVar aggregate classification (germline): Uncertain significance. Review status: criteria provided, multiple submitters, no conflicts (2 of 4 stars). 3 submissions from 3 submitters: Uncertain significance (3). Last evaluated 2026-05-27.

Conditions:
TRIOBP-related disorder. Also called: TRIOBP-related condition.

Allele frequency attached by ClinVar (database versions not stated): gnomAD exomes 0.00007 and 0.00016; ExAC 0.00019; gnomAD 0.00045 and 0.00049; TOPMed 0.00056; ESP Exome Variant Server 0.00083; 1000 Genomes Project 30x 0.00141; 1000 Genomes Project 0.00160.
gnomAD v4.1: 188 of 1,613,048 alleles (0.012%); highest among the groups gnomAD compares: African/African-American, 0.17%; 4 homozygotes.

Submissions (3):

PreventionGenetics, part of Exact Sciences
Classification: Uncertain significance for TRIOBP-related condition. Last evaluated: 2026-05-27. Review status: criteria provided, single submitter. Criteria: ACMG Guidelines, 2015. Collection method: clinical testing. Allele origin: germline.
Comment: The TRIOBP c.3133C>T variant is predicted to result in the amino acid substitution p.Arg1045Cys. This variant was reported in the homozygous state in an individual with hearing loss (Tlili et al. 2024. PubMed ID: 38844983). This variant is reported in 0.15% of alleles in individuals of African descent in gnomAD, including four homozygotes in the more recent gnomAD v4.1.1 database. Although we suspect that this variant may be benign, at this time, the clinical significance of this variant is uncertain due to the absence of conclusive functional and genetic evidence.

Labcorp Genetics (formerly Invitae), Labcorp
Classification: Uncertain significance. Last evaluated: 2022-01-13. Review status: criteria provided, single submitter. Criteria: Invitae Variant Classification Sherloc (09022015). Collection method: clinical testing. Allele origin: germline.
Comment: This sequence change replaces arginine, which is basic and polar, with cysteine, which is neutral and slightly polar, at codon 1045 of the TRIOBP protein (p.Arg1045Cys). This variant is present in population databases (rs145115226, gnomAD 0.1%). This variant has not been reported in the literature in individuals affected with TRIOBP-related conditions. ClinVar contains an entry for this variant (Variation ID: 1300330). Algorithms developed to predict the effect of missense changes on protein structure and function are either unavailable or do not agree on the potential impact of this missense change (SIFT: "Deleterious"; PolyPhen-2: "Possibly Damaging"; Align-GVGD: "Class C0"). In summary, the available evidence is currently insufficient to determine the role of this variant in disease. Therefore, it has been classified as a Variant of Uncertain Significance.

GeneDx
Classification: Uncertain significance. Last evaluated: 2021-06-02. Review status: criteria provided, single submitter. Criteria: GeneDx Variant Classification Process June 2021. Collection method: clinical testing. Allele origin: germline. Affected: yes.
Comment: In silico analysis supports that this missense variant does not alter protein structure/function; Has not been previously published as pathogenic or benign to our knowledge

NM_001039141.3(TRIOBP):c.3133C>T (p.Arg1045Cys)

Gene: TRIOBP (TRIO and F-actin binding protein; plus strand). Cytogenetic location: 22q13.1.
Variant type: single nucleotide variant.
Coding change: c.3133C>T on transcript NM_001039141.3 (MANE Select); coding-DNA position 3133, C replaced by T.
Protein change: p.Arg1045Cys; replaces arginine 1045 with cysteine.
Molecular consequence: missense variant.
Genome position (GRCh38, 1-based): chr22:37,725,689, C>T. VCF-style: chr22-37725689-C-T. GRCh37 (hg19) VCF-style: chr22-38121696-C-T.
Other names: short protein forms R1045C.
Identifiers: ClinVar variation 1300330 (VCV001300330.7), dbSNP rs145115226, ClinGen allele CA10224035.